The following is an entry in ClinVar:

ClinVar aggregate classification (germline): Conflicting classifications of pathogenicity. Review status: criteria provided, conflicting classifications (1 of 4 stars). 3 submissions from 3 submitters: Uncertain significance (2); Likely benign (1). Last evaluated 2026-01-19.

Conditions:
Renal cell carcinoma. Identifiers: Orphanet 217071, MedGen C0007134, MeSH D002292, MONDO:0005086, HP:0005584.
Hereditary cancer-predisposing syndrome. Also called: Hereditary Cancer Syndrome; Neoplastic Syndromes, Hereditary; Tumor predisposition; Hereditary neoplastic syndrome. Identifiers: Orphanet 140162, MedGen C0027672, MeSH D009386, MONDO:0015356.

Allele frequency attached by ClinVar (database versions not stated): TOPMed below 0.00001.
gnomAD v4.1: 2 of 1,613,872 alleles (0.00012%); highest among the groups gnomAD compares: Non-Finnish European, 0.00017%; no homozygotes.

Submissions (3):

Labcorp Genetics (formerly Invitae), Labcorp
Classification: Uncertain significance for Renal cell carcinoma. Last evaluated: 2026-01-19. Review status: criteria provided, single submitter. Criteria: Invitae Variant Classification Sherloc (09022015). Collection method: clinical testing. Allele origin: germline.
Comment: This sequence change replaces alanine, which is neutral and non-polar, with serine, which is neutral and polar, at codon 954 of the MET protein (p.Ala954Ser). This variant is not present in population databases (gnomAD no frequency). This variant has not been reported in the literature in individuals affected with MET-related conditions. ClinVar contains an entry for this variant (Variation ID: 1023078). Invitae Evidence Modeling of protein sequence and biophysical properties (such as structural, functional, and spatial information, amino acid conservation, physicochemical variation, residue mobility, and thermodynamic stability) indicates that this missense variant is not expected to disrupt MET protein function with a negative predictive value of 80%. In summary, the available evidence is currently insufficient to determine the role of this variant in disease. Therefore, it has been classified as a Variant of Uncertain Significance.

Ambry Genetics
Classification: Likely benign for Hereditary cancer-predisposing syndrome. Last evaluated: 2024-10-21. Review status: criteria provided, single submitter. Criteria: Ambry Variant Classification Scheme 2023. Collection method: clinical testing. Allele origin: germline.

GeneDx
Classification: Uncertain significance. Last evaluated: 2020-11-30. Review status: criteria provided, single submitter. Criteria: GeneDx Variant Classification Process June 2021. Collection method: clinical testing. Allele origin: germline. Affected: yes.
Comment: Not observed in large population cohorts (Lek 2016); In silico analysis supports that this missense variant does not alter protein structure/function; Has not been previously published as pathogenic or benign to our knowledge

NM_000245.4(MET):c.2806G>T (p.Ala936Ser)

Gene: MET (MET proto-oncogene, receptor tyrosine kinase; plus strand). Cytogenetic location: 7q31.2.
Variant type: single nucleotide variant.
Coding change: c.2806G>T on transcript NM_000245.4 (MANE Select); coding-DNA position 2806, G replaced by T.
Protein change: p.Ala936Ser; replaces alanine 936 with serine.
Molecular consequence: missense variant.
Genome position (GRCh38, 1-based): chr7:116,771,573, G>T. VCF-style: chr7-116771573-G-T. GRCh37 (hg19) VCF-style: chr7-116411627-G-T.
Other names: c.2860G>T, p.Ala954Ser (NM_001127500.3); c.1516G>T, p.Ala506Ser (NM_001324402.2); short protein forms A506S, A936S, A954S.
Identifiers: ClinVar variation 1023078 (VCV001023078.11), dbSNP rs1794834628, ClinGen allele CA368986549.